The following is an entry in ClinVar:

NM_001145809.2(MYH14):c.2962C>T (p.Arg988Cys)

Gene: MYH14 (myosin heavy chain 14; plus strand). Cytogenetic location: 19q13.33.
Variant type: single nucleotide variant.
Coding change: c.2962C>T on transcript NM_001145809.2 (MANE Select); coding-DNA position 2962, C replaced by T.
Protein change: p.Arg988Cys; replaces arginine 988 with cysteine.
Molecular consequence: missense variant.
Genome position (GRCh38, 1-based): chr19:50,268,296, C>T. VCF-style: chr19-50268296-C-T. GRCh37 (hg19) VCF-style: chr19-50771553-C-T.
Other names: c.2863C>T, p.Arg955Cys (NM_001077186.2); c.2839C>T, p.Arg947Cys (NM_024729.4); short protein forms R947C, R955C, R988C.
Identifiers: ClinVar variation 1310398 (VCV001310398.4), dbSNP rs2035167264, ClinGen allele CA406948865.

ClinVar aggregate classification (germline): Conflicting classifications of pathogenicity. Review status: criteria provided, conflicting classifications (1 of 4 stars). 3 submissions from 3 submitters: Likely pathogenic (1); Uncertain significance (2). Last evaluated 2025-05-07.

Conditions:
MYH14-related disorder. Also called: MYH14-related condition.
Inborn genetic diseases. Identifiers: MedGen C0950123, MeSH D030342.

Allele frequency attached by ClinVar (database versions not stated): gnomAD 0.00001; TOPMed 0.00001.
gnomAD v4.1: 5 of 1,587,670 alleles (0.00031%); highest among the groups gnomAD compares: East Asian, 0.0023%; no homozygotes.

Submissions (3):

Ambry Genetics
Classification: Uncertain significance for Inborn genetic diseases. Last evaluated: 2025-05-07. Review status: criteria provided, single submitter. Criteria: Ambry Variant Classification Scheme 2023. Collection method: clinical testing. Allele origin: germline.

Blueprint Genetics
Classification: Likely pathogenic for MYH14-related disorders. Last evaluated: 2024-05-21. Review status: criteria provided, single submitter. Criteria: ACMG Guidelines, 2015. Collection method: clinical testing. Allele origin: germline. Affected: yes. Observed: 1 variant allele.

GeneDx
Classification: Uncertain significance. Last evaluated: 2019-12-03. Review status: criteria provided, single submitter. Criteria: GeneDx Variant Classification Process June 2021. Collection method: clinical testing. Allele origin: germline. Affected: yes.
Comment: Not observed in large population cohorts (Lek et al., 2016); In silico analysis, which includes protein predictors and evolutionary conservation, supports a deleterious effect; Has not been previously published as pathogenic or benign to our knowledge